The following is an entry in ClinVar:

ClinVar aggregate classification (germline): Pathogenic (1 of 4 stars; one submission).

Conditions:
Hereditary insensitivity to pain with anhidrosis (CIPA). Also called: NEUROPATHY, CONGENITAL SENSORY, WITH ANHIDROSIS; INSENSITIVITY TO PAIN, CONGENITAL, WITH ANHIDROSIS; HSAN Type IV; hereditary sensory and autonomic neuropathy type 4; NTRK1 Congenital Insensitivity to Pain with Anhidrosis; FAMILIAL DYSAUTONOMIA, TYPE II. Identifiers: Orphanet 642, MedGen C0020074, MONDO:0009746, OMIM 256800.

Submission:

Labcorp Genetics (formerly Invitae), Labcorp
Classification: Pathogenic for Hereditary insensitivity to pain with anhidrosis. Last evaluated: 2021-10-21. Review status: criteria provided, single submitter. Criteria: Invitae Variant Classification Sherloc (09022015). Collection method: clinical testing. Allele origin: germline.
Comment: This sequence change creates a premature translational stop signal (p.Gln199*) in the NTRK1 gene. It is expected to result in an absent or disrupted protein product. Loss-of-function variants in NTRK1 are known to be pathogenic (PMID: 10982191). This variant is not present in population databases (ExAC no frequency). This variant has not been reported in the literature in individuals affected with NTRK1-related conditions. For these reasons, this variant has been classified as Pathogenic.

Literature cited by the submitters: PubMed 10982191.

NM_002529.4(NTRK1):c.595C>T (p.Gln199Ter)

Gene: NTRK1 (neurotrophic receptor tyrosine kinase 1; plus strand). Cytogenetic location: 1q23.1.
Variant type: single nucleotide variant.
Coding change: c.595C>T on transcript NM_002529.4 (MANE Select); coding-DNA position 595, C replaced by T.
Protein change: p.Gln199Ter; replaces glutamine 199 with a stop codon.
Molecular consequence: nonsense.
Genome position (GRCh38, 1-based): chr1:156,868,525, C>T. VCF-style: chr1-156868525-C-T. GRCh37 (hg19) VCF-style: chr1-156838317-C-T.
Other names: c.505C>T, p.Gln169Ter (NM_001007792.1); c.595C>T, p.Gln199Ter (NM_001012331.2); short protein forms Q169*, Q199*.
Identifiers: ClinVar variation 1408081 (VCV001408081.6), dbSNP rs2102894271, ClinGen allele CA342934215.